The following is an entry in ClinVar:

NM_000400.4(ERCC2):c.965C>T (p.Ser322Phe)

Gene: ERCC2 (ERCC excision repair 2, TFIIH core complex helicase subunit; minus strand). Cytogenetic location: 19q13.32.
Variant type: single nucleotide variant.
Coding change: c.965C>T on transcript NM_000400.4 (MANE Select); coding-DNA position 965, C replaced by T.
Protein change: p.Ser322Phe; replaces serine 322 with phenylalanine.
Molecular consequence: missense variant.
Genome position (GRCh38, 1-based): chr19:45,363,896, G>A on the plus strand (C>T on the coding strand, the complement: ERCC2 is on the minus strand). VCF-style: chr19-45363896-G-A. GRCh37 (hg19) VCF-style: chr19-45867154-G-A.
Other names: c.893C>T, p.Ser298Phe (NM_001130867.2); short protein forms S298F, S322F.
Identifiers: ClinVar variation 1767690 (VCV001767690.2), dbSNP rs1383346236, ClinGen allele CA406373103.

ClinVar aggregate classification (germline): Uncertain significance (1 of 4 stars; one submission).

Conditions:
Inborn genetic diseases. Identifiers: MedGen C0950123, MeSH D030342.

Allele frequency attached by ClinVar (database versions not stated): gnomAD exomes below 0.00001; gnomAD 0.00001; TOPMed 0.00001.
gnomAD v4.1: 5 of 1,547,764 alleles (0.00032%); highest among the groups gnomAD compares: Non-Finnish European, 0.00043%; no homozygotes.

Submission:

Ambry Genetics
Classification: Uncertain significance for Inborn genetic diseases. Last evaluated: 2024-01-01. Review status: criteria provided, single submitter. Criteria: Ambry Variant Classification Scheme 2023. Collection method: clinical testing. Allele origin: germline.
Comment: The p.S322F variant (also known as c.965C>T), located in coding exon 11 of the ERCC2 gene, results from a C to T substitution at nucleotide position 965. The serine at codon 322 is replaced by phenylalanine, an amino acid with highly dissimilar properties. This amino acid position is conserved. In addition, the in silico prediction for this alteration is inconclusive. Since supporting evidence is limited at this time, the clinical significance of this alteration remains unclear.